The following is an entry in ClinVar:

ClinVar aggregate classification (germline): Pathogenic (1 of 4 stars; one submission).

Conditions:
Multiple mitochondrial dysfunctions syndrome 3 (MMDS3). Identifiers: Orphanet 363424, MedGen C3809165, MONDO:0014132, OMIM 615330.
Hereditary spastic paraplegia 74. Also called: Spastic paraplegia 74, autosomal recessive. Identifiers: Orphanet 468661, MedGen C5568837, MONDO:0014644, OMIM 616451.

Allele frequency attached by ClinVar (database versions not stated): TOPMed 0.00001.
gnomAD v4.1: 6 of 1,514,298 alleles (0.0004%); highest among the groups gnomAD compares: African/African-American, 0.0043%; no homozygotes.

Submission:

Labcorp Genetics (formerly Invitae), Labcorp
Classification: Pathogenic for Multiple mitochondrial dysfunctions syndrome 3; Hereditary spastic paraplegia 74. Last evaluated: 2023-04-03. Review status: criteria provided, single submitter. Criteria: Invitae Variant Classification Sherloc (09022015). Collection method: clinical testing. Allele origin: germline.
Comment: The frequency data for this variant in the population databases is considered unreliable, as metrics indicate poor data quality at this position in the gnomAD database. This variant has not been reported in the literature in individuals affected with IBA57-related conditions. ClinVar contains an entry for this variant (Variation ID: 2187516). For these reasons, this variant has been classified as Pathogenic. This sequence change creates a premature translational stop signal (p.Trp48*) in the IBA57 gene. It is expected to result in an absent or disrupted protein product. Loss-of-function variants in IBA57 are known to be pathogenic (PMID: 23462291, 25971455, 27785568, 28671726).

Literature cited by the submitters: PubMed 23462291; PubMed 25971455; PubMed 27785568; PubMed 28671726.

NM_001010867.4(IBA57):c.143G>A (p.Trp48Ter)

Gene: IBA57 (iron-sulfur cluster assembly factor IBA57; plus strand). Cytogenetic location: 1q42.13.
Variant type: single nucleotide variant.
Coding change: c.143G>A on transcript NM_001010867.4 (MANE Select); coding-DNA position 143, G replaced by A.
Protein change: p.Trp48Ter; replaces tryptophan 48 with a stop codon.
Molecular consequence: nonsense.
Genome position (GRCh38, 1-based): chr1:228,165,959, G>A. VCF-style: chr1-228165959-G-A. GRCh37 (hg19) VCF-style: chr1-228353660-G-A.
Other names: short protein forms W48*.
Identifiers: ClinVar variation 2187516 (VCV002187516.4), dbSNP rs1419333963, ClinGen allele CA345105090.
Genomic context (GRCh38, chr1:228,165,959, plus strand): 5'-GGTGCCGCCTGGCCCACAGCTCCTGCAGTCCTGGTGGCGACCCAACGGCCGGAGCGGCCT[G>A]GGCCTGCTTCCGGCTGGACGGGCGCACCCTGCTGCGCGTGCGTGGCCCCGACGCGGCGCC-3'